The following is an entry in ClinVar:

NM_017570.5(OPLAH):c.2151C>T (p.Ile717=)

Gene: OPLAH (5-oxoprolinase, ATP-hydrolysing; minus strand). Cytogenetic location: 8q24.3.
Variant type: single nucleotide variant.
Coding change: c.2151C>T on transcript NM_017570.5 (MANE Select); coding-DNA position 2151, C replaced by T.
Protein change: p.Ile717=; no amino-acid change (isoleucine 717 retained).
Molecular consequence: synonymous variant.
Genome position (GRCh38, 1-based): chr8:144,055,885, G>A on the plus strand (C>T on the coding strand, the complement: OPLAH is on the minus strand). VCF-style: chr8-144055885-G-A. GRCh37 (hg19) VCF-style: chr8-145110788-G-A.
Other names: c.2151C>T (NM_017570.4).
Identifiers: ClinVar variation 1170469 (VCV001170469.10), dbSNP rs115894989, ClinGen allele CA4931562.

ClinVar aggregate classification (germline): Benign. Review status: criteria provided, multiple submitters, no conflicts (2 of 4 stars). 3 submissions from 3 submitters: Benign (2). 1 of the submissions does not count toward it. Last evaluated 2026-01-25.

Conditions:
OPLAH-related disorder. Also called: OPLAH-related condition.
5-Oxoprolinase deficiency (OPLAHD). Also called: 5-OXOPROLINURIA DUE TO 5-OXOPROLINASE DEFICIENCY. Identifiers: Orphanet 33572, MedGen C0268525, MONDO:0009825, OMIM 260005, HP:0040142.

Allele frequency attached by ClinVar (database versions not stated): gnomAD exomes 0.00477 and 0.01167; ExAC 0.03156; 1000 Genomes Project 0.04752; gnomAD 0.04783 and 0.05162; ESP Exome Variant Server 0.04974; 1000 Genomes Project 30x 0.05012; TOPMed 0.05446.

Submissions (3):

Labcorp Genetics (formerly Invitae), Labcorp
Classification: Benign for 5-Oxoprolinase deficiency. Last evaluated: 2026-01-25. Review status: criteria provided, single submitter. Criteria: Invitae Variant Classification Sherloc (09022015). Collection method: clinical testing. Allele origin: germline.

Breakthrough Genomics
Classification: Benign. Review status: criteria provided, single submitter. Criteria: ACMG Guidelines, 2015. Collection method: not provided. Allele origin: germline. Inheritance: Autosomal recessive inheritance. Affected: yes.

PreventionGenetics, part of Exact Sciences
Classification: Benign for OPLAH-related condition. Last evaluated: 2019-09-26. Review status: no assertion criteria provided. Collection method: clinical testing. Allele origin: germline. Not counted in ClinVar's aggregate classification.
Comment: This variant is classified as benign based on ACMG/AMP sequence variant interpretation guidelines (Richards et al. 2015 PMID: 25741868, with internal and published modifications).